The following is an entry in ClinVar:

ClinVar aggregate classification (germline): Uncertain significance (1 of 4 stars; one submission).

Conditions:
Kabuki syndrome. Also called: Kabuki make-up syndrome; NIIKAWA-KUROKI SYNDROME. Identifiers: Orphanet 2322, MedGen C0796004, MONDO:0016512.

gnomAD v4.1: 1 of 1,613,556 alleles (0.000062%); no homozygotes.

Submission:

Labcorp Genetics (formerly Invitae), Labcorp
Classification: Uncertain significance for Kabuki syndrome. Last evaluated: 2025-08-05. Review status: criteria provided, single submitter. Criteria: Invitae Variant Classification Sherloc (09022015). Collection method: clinical testing. Allele origin: germline.
Comment: This sequence change replaces valine, which is neutral and non-polar, with methionine, which is neutral and non-polar, at codon 3376 of the KMT2D protein (p.Val3376Met). This variant is not present in population databases (gnomAD no frequency). This variant has not been reported in the literature in individuals affected with KMT2D-related conditions. Invitae Evidence Modeling of protein sequence and biophysical properties (such as structural, functional, and spatial information, amino acid conservation, physicochemical variation, residue mobility, and thermodynamic stability) indicates that this missense variant is not expected to disrupt KMT2D protein function with a negative predictive value of 95%. In summary, the available evidence is currently insufficient to determine the role of this variant in disease. Therefore, it has been classified as a Variant of Uncertain Significance.

NM_003482.4(KMT2D):c.10126G>A (p.Val3376Met)

Gene: KMT2D (lysine methyltransferase 2D; minus strand). Cytogenetic location: 12q13.12.
Variant type: single nucleotide variant.
Coding change: c.10126G>A on transcript NM_003482.4 (MANE Select); coding-DNA position 10126, G replaced by A.
Protein change: p.Val3376Met; replaces valine 3376 with methionine.
Molecular consequence: missense variant.
Genome position (GRCh38, 1-based): chr12:49,037,230, C>T on the plus strand (G>A on the coding strand, the complement: KMT2D is on the minus strand). VCF-style: chr12-49037230-C-T. GRCh37 (hg19) VCF-style: chr12-49431013-C-T.
Other names: short protein forms V3376M.
Identifiers: ClinVar variation 4752575 (VCV004752575.1).